The following is an entry in ClinVar:

NM_000019.4(ACAT1):c.339dup (p.Pro114fs)

Gene: ACAT1 (acetyl-CoA acetyltransferase 1; plus strand). Cytogenetic location: 11q22.3.
Variant type: Duplication.
Coding change: c.339dup on transcript NM_000019.4 (MANE Select); coding-DNA position 339, one base duplicated (A; older notation c.339dupA).
Protein change: p.Pro114fs; shifts the reading frame from proline 114.
Molecular consequence: frameshift variant. On other transcripts: non-coding transcript variant (1), intron variant (1).
Genome position (GRCh38, 1-based): chr11:108,135,146, A duplicated. VCF-style (leftmost placement, unchanged base first): chr11-108135145-T-TA. GRCh37 (hg19) VCF-style: chr11-108005872-T-TA.
Other names: c.339dup, p.Pro114fs (NM_001386677.1); c.42dup, p.Pro15fs (NM_001386679.1); c.69dup, p.Pro24fs (NM_001386681.1, NM_001386682.1, NM_001386685.1 and 6 more transcripts); c.120+3192dup (NM_001386678.1); short protein forms P114fs, P15fs, P24fs.
Identifiers: ClinVar variation 4731882 (VCV004731882.1).

ClinVar aggregate classification (germline): Pathogenic (1 of 4 stars; one submission).

Conditions:
Deficiency of acetyl-CoA acetyltransferase. Also called: Beta-ketothiolase deficiency; 3-KETOTHIOLASE DEFICIENCY; 3-OXOTHIOLASE DEFICIENCY; MITOCHONDRIAL ACETOACETYL-CoA THIOLASE DEFICIENCY. Identifiers: Orphanet 134, MedGen C1536500, MONDO:0008760, OMIM 203750. Disease mechanism: loss of function.

Submission:

Labcorp Genetics (formerly Invitae), Labcorp
Classification: Pathogenic for Deficiency of acetyl-CoA acetyltransferase. Last evaluated: 2025-11-24. Review status: criteria provided, single submitter. Criteria: Invitae Variant Classification Sherloc (09022015). Collection method: clinical testing. Allele origin: germline.
Comment: This sequence change creates a premature translational stop signal (p.Pro114Thrfs*63) in the ACAT1 gene. It is expected to result in an absent or disrupted protein product. Loss-of-function variants in ACAT1 are known to be pathogenic (PMID: 7749408). This variant is not present in population databases (gnomAD no frequency). This variant has not been reported in the literature in individuals affected with ACAT1-related conditions. For these reasons, this variant has been classified as Pathogenic.

Literature cited by the submitters: PubMed 7749408.